The following is an entry in ClinVar:

ClinVar aggregate classification (germline): Uncertain significance. Review status: criteria provided, multiple submitters, no conflicts (2 of 4 stars). 2 submissions from 2 submitters: Uncertain significance (2). Last evaluated 2025-12-26.

Conditions:
PLEC-related disorder. Also called: PLEC-related disorders; PLEC-related condition.
Epidermolysis bullosa simplex, Ogna type (EBS5A). Also called: Pidermolysis bullosa simplex 5A, Ogna type; EPIDERMOLYSIS BULLOSA SIMPLEX 5A, OGNA TYPE. Identifiers: Orphanet 79401, MedGen C0432317, MONDO:0007555, OMIM 131950.
Epidermolysis bullosa simplex 5B, with muscular dystrophy (EBS5B). Also called: Epidermolysis bullosa simplex with muscular dystrophy; EPIDERMOLYSIS BULLOSA SIMPLEX AND LIMB-GIRDLE MUSCULAR DYSTROPHY. Identifiers: Orphanet 257, MedGen C2931072, MONDO:0009181, OMIM 226670.
Epidermolysis bullosa simplex with nail dystrophy (EBS5D). Identifiers: MedGen C4225309, MONDO:0014661, OMIM 616487.
Autosomal recessive limb-girdle muscular dystrophy type 2Q (LGMDR17). Also called: MUSCULAR DYSTROPHY, LIMB-GIRDLE, AUTOSOMAL RECESSIVE 17. Identifiers: Orphanet 254361, MedGen C3150989, MONDO:0013390, OMIM 613723.
Epidermolysis bullosa simplex 5C, with pyloric atresia (EBS5C). Also called: PLEC-Related Epidermolysis Bullosa with Pyloric Atresia; Epidermolysis bullosa simplex with pyloric atresia; PLEC1-Related Epidermolysis Bullosa with Pyloric Atresia. Identifiers: Orphanet 158684, MedGen C2677349, MONDO:0012807, OMIM 612138.

Allele frequency attached by ClinVar (database versions not stated): TOPMed 0.00001; gnomAD 0.00003.
gnomAD v4.1: 5 of 1,582,474 alleles (0.00032%); highest among the groups gnomAD compares: Non-Finnish European, 0.00043%; no homozygotes.

Submissions (2):

PreventionGenetics, part of Exact Sciences
Classification: Uncertain significance for PLEC-related condition. Last evaluated: 2025-12-26. Review status: criteria provided, single submitter. Criteria: ACMG Guidelines, 2015. Collection method: clinical testing. Allele origin: germline.
Comment: The PLEC c.7137G>T variant is predicted to result in the amino acid substitution p.Gln2379His. To our knowledge, this variant has not been reported in the literature or in a large population database (gnomAD), indicating this variant is rare. At this time, the clinical significance of this variant is uncertain due to the absence of conclusive functional and genetic evidence.

Labcorp Genetics (formerly Invitae), Labcorp
Classification: Uncertain significance for Autosomal recessive limb-girdle muscular dystrophy type 2Q; Epidermolysis bullosa simplex, Ogna type; Epidermolysis bullosa simplex with nail dystrophy; Epidermolysis bullosa simplex 5C, with pyloric atresia; Epidermolysis bullosa simplex 5B, with muscular dystrophy. Last evaluated: 2022-07-19. Review status: criteria provided, single submitter. Criteria: Invitae Variant Classification Sherloc (09022015). Collection method: clinical testing. Allele origin: germline.
Comment: This variant is not present in population databases (gnomAD no frequency). This variant has not been reported in the literature in individuals affected with PLEC-related conditions. ClinVar contains an entry for this variant (Variation ID: 1000722). This sequence change replaces glutamine, which is neutral and polar, with histidine, which is basic and polar, at codon 2379 of the PLEC protein (p.Gln2379His). Algorithms developed to predict the effect of missense changes on protein structure and function are either unavailable or do not agree on the potential impact of this missense change (SIFT: "Tolerated"; PolyPhen-2: "Probably Damaging"; Align-GVGD: "Class C0"). In summary, the available evidence is currently insufficient to determine the role of this variant in disease. Therefore, it has been classified as a Variant of Uncertain Significance.

NM_201384.3(PLEC):c.7056G>T (p.Gln2352His)

Gene: PLEC (plectin; minus strand). Cytogenetic location: 8q24.3.
Variant type: single nucleotide variant.
Coding change: c.7056G>T on transcript NM_201384.3 (MANE Select); coding-DNA position 7056, G replaced by T.
Protein change: p.Gln2352His; replaces glutamine 2352 with histidine.
Molecular consequence: missense variant.
Genome position (GRCh38, 1-based): chr8:143,922,873, C>A on the plus strand (G>T on the coding strand, the complement: PLEC is on the minus strand). VCF-style: chr8-143922873-C-A. GRCh37 (hg19) VCF-style: chr8-144997041-C-A.
Other names: c.7014G>T, p.Gln2338His (NM_201378.4); c.6990G>T, p.Gln2330His (NM_201379.3); c.7467G>T, p.Gln2489His (NM_201380.4); c.6960G>T, p.Gln2320His (NM_201381.3); c.7056G>T, p.Gln2352His (NM_201382.4); c.7068G>T, p.Gln2356His (NM_201383.3); c.7137G>T, p.Gln2379His (NM_000445.5); c.7137G>T (NM_000445.4); short protein forms Q2320H, Q2330H, Q2338H, Q2352H, Q2356H, Q2379H, Q2489H.
Identifiers: ClinVar variation 1000722 (VCV001000722.6), dbSNP rs1267513023, ClinGen allele CA372530196.